The following is an entry in ClinVar:

NM_004301.5(ACTL6A):c.666G>A (p.Met222Ile)

Gene: ACTL6A (actin like 6A; plus strand). Cytogenetic location: 3q26.33.
Variant type: single nucleotide variant.
Coding change: c.666G>A on transcript NM_004301.5 (MANE Select); coding-DNA position 666, G replaced by A.
Protein change: p.Met222Ile; replaces methionine 222 with isoleucine.
Molecular consequence: missense variant.
Genome position (GRCh38, 1-based): chr3:179,576,714, G>A. VCF-style: chr3-179576714-G-A. GRCh37 (hg19) VCF-style: chr3-179294502-G-A.
Other names: c.540G>A, p.Met180Ile (NM_177989.4, NM_178042.4); short protein forms M180I, M222I.
Identifiers: ClinVar variation 1704685 (VCV001704685.2), dbSNP rs1718176374, ClinGen allele CA355270758.

ClinVar aggregate classification (germline): Uncertain significance (1 of 4 stars; one submission).

Submission:

GeneDx
Classification: Uncertain significance. Last evaluated: 2022-02-23. Review status: criteria provided, single submitter. Criteria: GeneDx Variant Classification Process June 2021. Collection method: clinical testing. Allele origin: germline. Affected: yes.
Comment: Not observed at significant frequency in large population cohorts (gnomAD); In silico analysis supports that this missense variant does not alter protein structure/function; Has not been previously published as pathogenic or benign to our knowledge